The following is an entry in ClinVar:

NM_000222.3(KIT):c.10G>T (p.Ala4Ser)

Gene: KIT (KIT proto-oncogene, receptor tyrosine kinase; plus strand). Cytogenetic location: 4q12.
Variant type: single nucleotide variant.
Coding change: c.10G>T on transcript NM_000222.3 (MANE Select); coding-DNA position 10, G replaced by T.
Protein change: p.Ala4Ser; replaces alanine 4 with serine.
Molecular consequence: missense variant.
Genome position (GRCh38, 1-based): chr4:54,658,024, G>T. VCF-style: chr4-54658024-G-T. GRCh37 (hg19) VCF-style: chr4-55524191-G-T.
Other names: c.10G>T, p.Ala4Ser (NM_001093772.2, NM_001385284.1, NM_001385285.1 and 4 more transcripts); short protein forms A4S.
Identifiers: ClinVar variation 1792144 (VCV001792144.8), dbSNP rs1192807264, ClinGen allele CA356897847.

ClinVar aggregate classification (germline): Uncertain significance. Review status: criteria provided, multiple submitters, no conflicts (2 of 4 stars). 2 submissions from 2 submitters: Uncertain significance (2). Last evaluated 2024-08-24.

Conditions:
Hereditary cancer-predisposing syndrome. Also called: Neoplastic Syndromes, Hereditary; Tumor predisposition; Hereditary Cancer Syndrome; Hereditary neoplastic syndrome. Identifiers: Orphanet 140162, MedGen C0027672, MeSH D009386, MONDO:0015356.
Gastrointestinal stromal tumor. Also called: Gastrointestinal stromal tumor, somatic; Gastrointestinal stroma tumor. Identifiers: Orphanet 44890, MedGen C0238198, MeSH D046152, MONDO:0011719, OMIM 606764, HP:0100723.

Allele frequency attached by ClinVar (database versions not stated): gnomAD exomes below 0.00001; TOPMed 0.00001.
gnomAD v4.1: 5 of 1,613,740 alleles (0.00031%); highest among the groups gnomAD compares: Non-Finnish European, 0.00042%; no homozygotes.

Submissions (2):

Ambry Genetics
Classification: Uncertain significance for Hereditary cancer-predisposing syndrome. Last evaluated: 2024-08-24. Review status: criteria provided, single submitter. Criteria: Ambry Variant Classification Scheme 2023. Collection method: clinical testing. Allele origin: germline.
Comment: The p.A4S variant (also known as c.10G>T), located in coding exon 1 of the KIT gene, results from a G to T substitution at nucleotide position 10. The alanine at codon 4 is replaced by serine, an amino acid with similar properties. This amino acid position is conserved. In addition, this alteration is predicted to be tolerated by in silico analysis. Since supporting evidence is limited at this time, the clinical significance of this alteration remains unclear.

Labcorp Genetics (formerly Invitae), Labcorp
Classification: Uncertain significance for Gastrointestinal stromal tumor. Last evaluated: 2022-09-01. Review status: criteria provided, single submitter. Criteria: Invitae Variant Classification Sherloc (09022015). Collection method: clinical testing. Allele origin: germline.
Comment: This sequence change replaces alanine, which is neutral and non-polar, with serine, which is neutral and polar, at codon 4 of the KIT protein (p.Ala4Ser). This variant is present in population databases (no rsID available, gnomAD 0.007%). This variant has not been reported in the literature in individuals affected with KIT-related conditions. Algorithms developed to predict the effect of missense changes on protein structure and function are either unavailable or do not agree on the potential impact of this missense change (SIFT: "Tolerated"; PolyPhen-2: "Probably Damaging"; Align-GVGD: "Class C0"). In summary, the available evidence is currently insufficient to determine the role of this variant in disease. Therefore, it has been classified as a Variant of Uncertain Significance.